The following is an entry in ClinVar:

NM_000228.3(LAMB3):c.1769C>T (p.Ala590Val)

Gene: LAMB3 (laminin subunit beta 3; minus strand). Cytogenetic location: 1q32.2.
Variant type: single nucleotide variant.
Coding change: c.1769C>T on transcript NM_000228.3 (MANE Select); coding-DNA position 1769, C replaced by T.
Protein change: p.Ala590Val; replaces alanine 590 with valine.
Molecular consequence: missense variant.
Genome position (GRCh38, 1-based): chr1:209,625,855, G>A on the plus strand (C>T on the coding strand, the complement: LAMB3 is on the minus strand). VCF-style: chr1-209625855-G-A. GRCh37 (hg19) VCF-style: chr1-209799200-G-A.
Other names: c.1769C>T, p.Ala590Val (NM_001017402.2, NM_001127641.1); short protein forms A590V.
Identifiers: ClinVar variation 3117615 (VCV003117615.3), dbSNP rs143370006, ClinGen allele CA1375469.

ClinVar aggregate classification (germline): Uncertain significance. Review status: criteria provided, multiple submitters, no conflicts (2 of 4 stars). 2 submissions from 2 submitters: Uncertain significance (2). Last evaluated 2024-07-21.

Conditions:
Inborn genetic diseases. Identifiers: MedGen C0950123, MeSH D030342.

Allele frequency attached by ClinVar (database versions not stated): ESP Exome Variant Server 0.00015; ExAC 0.00021; gnomAD 0.00021; TOPMed 0.00022; 1000 Genomes Project 30x 0.00031; 1000 Genomes Project 0.00040.
gnomAD v4.1: 527 of 1,614,042 alleles (0.033%); highest among the groups gnomAD compares: Non-Finnish European, 0.041%; 2 homozygotes.

Submissions (2):

Labcorp Genetics (formerly Invitae), Labcorp
Classification: Uncertain significance. Last evaluated: 2024-07-21. Review status: criteria provided, single submitter. Criteria: Invitae Variant Classification Sherloc (09022015). Collection method: clinical testing. Allele origin: germline.
Comment: This sequence change replaces alanine, which is neutral and non-polar, with valine, which is neutral and non-polar, at codon 590 of the LAMB3 protein (p.Ala590Val). This variant is present in population databases (rs143370006, gnomAD 0.04%). This variant has not been reported in the literature in individuals affected with LAMB3-related conditions. Advanced modeling of protein sequence and biophysical properties (such as structural, functional, and spatial information, amino acid conservation, physicochemical variation, residue mobility, and thermodynamic stability) performed at Invitae indicates that this missense variant is not expected to disrupt LAMB3 protein function with a negative predictive value of 80%. In summary, the available evidence is currently insufficient to determine the role of this variant in disease. Therefore, it has been classified as a Variant of Uncertain Significance.

Ambry Genetics
Classification: Uncertain significance for Inborn genetic diseases. Last evaluated: 2024-04-12. Review status: criteria provided, single submitter. Criteria: Ambry Variant Classification Scheme 2023. Collection method: clinical testing. Allele origin: germline.